The following is an entry in ClinVar:

ClinVar aggregate classification (germline): Uncertain significance (1 of 4 stars; one submission).

Submission:

Labcorp Genetics (formerly Invitae), Labcorp
Classification: Uncertain significance. Last evaluated: 2024-02-15. Review status: criteria provided, single submitter. Criteria: Invitae Variant Classification Sherloc (09022015). Collection method: clinical testing. Allele origin: germline.
Comment: This sequence change replaces threonine, which is neutral and polar, with methionine, which is neutral and non-polar, at codon 1664 of the FOCAD protein (p.Thr1664Met). The frequency data for this variant in the population databases is considered unreliable, as metrics indicate poor data quality at this position in the gnomAD database. This variant has not been reported in the literature in individuals affected with FOCAD-related conditions. Experimental studies and prediction algorithms are not available or were not evaluated, and the functional significance of this variant is currently unknown. In summary, the available evidence is currently insufficient to determine the role of this variant in disease. Therefore, it has been classified as a Variant of Uncertain Significance.

NM_001375567.1(FOCAD):c.4991C>T (p.Thr1664Met)

Gene: FOCAD (focadhesin; plus strand). Cytogenetic location: 9p21.3.
Variant type: single nucleotide variant.
Coding change: c.4991C>T on transcript NM_001375567.1 (MANE Select); coding-DNA position 4991, C replaced by T.
Protein change: p.Thr1664Met; replaces threonine 1664 with methionine.
Molecular consequence: missense variant.
Genome position (GRCh38, 1-based): chr9:20,988,416, C>T. VCF-style: chr9-20988416-C-T. GRCh37 (hg19) VCF-style: chr9-20988415-C-T.
Other names: c.4886C>T, p.Thr1629Met (NM_001375568.1, NM_001375570.1); c.4991C>T, p.Thr1664Met (NM_017794.5); short protein forms T1629M, T1664M.
Identifiers: ClinVar variation 3716910 (VCV003716910.2).